The following is an entry in ClinVar:

NM_006912.6(RIT1):c.638A>G (p.Lys213Arg)

Gene: RIT1 (Ras like without CAAX 1; minus strand). Cytogenetic location: 1q22.
Variant type: single nucleotide variant.
Coding change: c.638A>G on transcript NM_006912.6 (MANE Select); coding-DNA position 638, A replaced by G.
Protein change: p.Lys213Arg; replaces lysine 213 with arginine.
Molecular consequence: missense variant.
Genome position (GRCh38, 1-based): chr1:155,900,410, T>C on the plus strand (A>G on the coding strand, the complement: RIT1 is on the minus strand). VCF-style: chr1-155900410-T-C. GRCh37 (hg19) VCF-style: chr1-155870201-T-C.
Other names: c.530A>G, p.Lys177Arg (NM_001256820.2); c.689A>G, p.Lys230Arg (NM_001256821.2); short protein forms K177R, K213R, K230R.
Identifiers: ClinVar variation 3633613 (VCV003633613.2).

ClinVar aggregate classification (germline): Uncertain significance (1 of 4 stars; one submission).

Conditions:
Noonan syndrome 8 (NS8). Identifiers: Orphanet 648, MedGen C3809233, MONDO:0014143, OMIM 615355.

Submission:

Labcorp Genetics (formerly Invitae), Labcorp
Classification: Uncertain significance for Noonan syndrome 8. Last evaluated: 2024-12-24. Review status: criteria provided, single submitter. Criteria: Invitae Variant Classification Sherloc (09022015). Collection method: clinical testing. Allele origin: germline.
Comment: This sequence change replaces lysine, which is basic and polar, with arginine, which is basic and polar, at codon 213 of the RIT1 protein (p.Lys213Arg). This variant is not present in population databases (gnomAD no frequency). This variant has not been reported in the literature in individuals affected with RIT1-related conditions. Invitae Evidence Modeling of protein sequence and biophysical properties (such as structural, functional, and spatial information, amino acid conservation, physicochemical variation, residue mobility, and thermodynamic stability) indicates that this missense variant is not expected to disrupt RIT1 protein function with a negative predictive value of 95%. In summary, the available evidence is currently insufficient to determine the role of this variant in disease. Therefore, it has been classified as a Variant of Uncertain Significance.